The following is an entry in ClinVar:

ClinVar aggregate classification (germline): Uncertain significance. Review status: criteria provided, multiple submitters, no conflicts (2 of 4 stars). 2 submissions from 2 submitters: Uncertain significance (2). Last evaluated 2025-07-20.

Conditions:
Colorectal cancer, hereditary nonpolyposis, type 7. Identifiers: Orphanet 144, MedGen C1858380, MONDO:0013725, OMIM 614385.

Submissions (2):

Ambry Genetics
Classification: Uncertain significance. Last evaluated: 2025-07-20. Review status: criteria provided, single submitter. Criteria: Ambry Variant Classification Scheme 2023. Collection method: clinical testing. Allele origin: germline.
Comment: The p.Q1388L variant (also known as c.4163A>T), located in coding exon 11 of the MLH3 gene, results from an A to T substitution at nucleotide position 4163. The glutamine at codon 1388 is replaced by leucine, an amino acid with dissimilar properties. This amino acid position is conserved. In addition, the in silico prediction for this alteration is inconclusive. Since supporting evidence is limited at this time, the clinical significance of this alteration remains unclear.

Labcorp Genetics (formerly Invitae), Labcorp
Classification: Uncertain significance for Colorectal cancer, hereditary nonpolyposis, type 7. Last evaluated: 2024-05-28. Review status: criteria provided, single submitter. Criteria: Invitae Variant Classification Sherloc (09022015). Collection method: clinical testing. Allele origin: germline.
Comment: This sequence change replaces glutamine, which is neutral and polar, with leucine, which is neutral and non-polar, at codon 1388 of the MLH3 protein (p.Gln1388Leu). This variant is not present in population databases (gnomAD no frequency). This variant has not been reported in the literature in individuals affected with MLH3-related conditions. ClinVar contains an entry for this variant (Variation ID: 1738356). An algorithm developed to predict the effect of missense changes on protein structure and function (PolyPhen-2) suggests that this variant is likely to be tolerated. In summary, the available evidence is currently insufficient to determine the role of this variant in disease. Therefore, it has been classified as a Variant of Uncertain Significance.

NM_001040108.2(MLH3):c.4163A>T (p.Gln1388Leu)

Gene: MLH3 (mutL homolog 3; minus strand). Cytogenetic location: 14q24.3.
Variant type: single nucleotide variant.
Coding change: c.4163A>T on transcript NM_001040108.2 (MANE Select); coding-DNA position 4163, A replaced by T.
Protein change: p.Gln1388Leu; replaces glutamine 1388 with leucine.
Molecular consequence: missense variant.
Genome position (GRCh38, 1-based): chr14:75,018,908, T>A on the plus strand (A>T on the coding strand, the complement: MLH3 is on the minus strand). VCF-style: chr14-75018908-T-A. GRCh37 (hg19) VCF-style: chr14-75485611-T-A.
Other names: c.4091A>T, p.Gln1364Leu (NM_014381.3); short protein forms Q1388L, Q1364L.
Identifiers: ClinVar variation 1738356 (VCV001738356.8), dbSNP rs556360624, ClinGen allele CA390419820.